The following is an entry in ClinVar:

NM_004859.4(CLTC):c.1127A>G (p.Asn376Ser)

Gene: CLTC (clathrin heavy chain; plus strand). Cytogenetic location: 17q23.1.
Variant type: single nucleotide variant.
Coding change: c.1127A>G on transcript NM_004859.4 (MANE Select); coding-DNA position 1127, A replaced by G.
Protein change: p.Asn376Ser; replaces asparagine 376 with serine.
Molecular consequence: missense variant.
Genome position (GRCh38, 1-based): chr17:59,660,548, A>G. VCF-style: chr17-59660548-A-G. GRCh37 (hg19) VCF-style: chr17-57737909-A-G.
Other names: c.1127A>G (NM_004859.3); c.1139A>G, p.Asn380Ser (NM_001288653.2); short protein forms N380S, N376S.
Identifiers: ClinVar variation 2880208 (VCV002880208.4), dbSNP rs1390248582, ClinGen allele CA400423750.

ClinVar aggregate classification (germline): Uncertain significance. Review status: criteria provided, multiple submitters, no conflicts (2 of 4 stars). 2 submissions from 2 submitters: Uncertain significance (2). Last evaluated 2024-11-26.

Conditions:
Inborn genetic diseases. Identifiers: MedGen C0950123, MeSH D030342.

Allele frequency attached by ClinVar (database versions not stated): TOPMed below 0.00001.
gnomAD v4.1: 1 of 1,614,174 alleles (0.000062%); highest among the groups gnomAD compares: Non-Finnish European, 0.000085%; no homozygotes.

Submissions (2):

Ambry Genetics
Classification: Uncertain significance for Inborn genetic diseases. Last evaluated: 2024-11-26. Review status: criteria provided, single submitter. Criteria: Ambry Variant Classification Scheme 2023. Collection method: clinical testing. Allele origin: germline.

Labcorp Genetics (formerly Invitae), Labcorp
Classification: Uncertain significance. Last evaluated: 2023-03-23. Review status: criteria provided, single submitter. Criteria: Invitae Variant Classification Sherloc (09022015). Collection method: clinical testing. Allele origin: germline.
Comment: In summary, the available evidence is currently insufficient to determine the role of this variant in disease. Therefore, it has been classified as a Variant of Uncertain Significance. Experimental studies and prediction algorithms are not available or were not evaluated, and the functional significance of this variant is currently unknown. This variant has not been reported in the literature in individuals affected with CLTC-related conditions. This variant is not present in population databases (gnomAD no frequency). This sequence change replaces asparagine, which is neutral and polar, with serine, which is neutral and polar, at codon 380 of the CLTC protein (p.Asn380Ser).